The following is an entry in ClinVar:

NM_000088.4(COL1A1):c.3545C>A (p.Pro1182His)

Gene: COL1A1 (collagen type I alpha 1 chain; minus strand). Cytogenetic location: 17q21.33.
Variant type: single nucleotide variant.
Coding change: c.3545C>A on transcript NM_000088.4 (MANE Select); coding-DNA position 3545, C replaced by A.
Protein change: p.Pro1182His; replaces proline 1182 with histidine.
Molecular consequence: missense variant.
Genome position (GRCh38, 1-based): chr17:50,186,909, G>T on the plus strand (C>A on the coding strand, the complement: COL1A1 is on the minus strand). VCF-style: chr17-50186909-G-T. GRCh37 (hg19) VCF-style: chr17-48264270-G-T.
Other names: short protein forms P1182H.
Identifiers: ClinVar variation 2897752 (VCV002897752.4), dbSNP rs759825792, ClinGen allele CA8644397.

ClinVar aggregate classification (germline): Uncertain significance. Review status: criteria provided, multiple submitters, no conflicts (2 of 4 stars). 2 submissions from 2 submitters: Uncertain significance (2). Last evaluated 2026-01-10.

Conditions:
Osteogenesis imperfecta type I (OI1). Also called: Lobstein's Disease; OI, TYPE I; OSTEOGENESIS IMPERFECTA TARDA; OSTEOGENESIS IMPERFECTA WITH BLUE SCLERAE; Osteogenesis imperfecta type 1; Lobstein disease. Identifiers: Orphanet 216796, Orphanet 666, MedGen C0023931, MONDO:0008146, OMIM 166200. Disease mechanism: loss of function.

Allele frequency attached by ClinVar (database versions not stated): gnomAD exomes below 0.00001; ExAC 0.00001.
gnomAD v4.1: 1 of 1,613,698 alleles (0.000062%); highest among the groups gnomAD compares: East Asian, 0.0022%; no homozygotes.

Submissions (2):

Prenatal Diagnosis Unit, University Medical Center at Ho Chi Minh City, University of Medicine and Pharmacy at Ho Chi Minh City
Classification: Uncertain significance for Osteogenesis imperfecta type I. Last evaluated: 2026-01-10. Review status: criteria provided, single submitter. Criteria: ACMG Guidelines, 2015. Collection method: provider interpretation. Allele origin: maternal. Inheritance: Autosomal dominant inheritance. Affected: no. Observed: 2 variant alleles.
Comment: This variant is absent from population databases (ExAC) and has not been reported in individuals with osteogenesis imperfecta type I. In silico analyses show inconsistent predictions regarding a deleterious missense effect. In conclusion, this variant is classified as a variant of uncertain significance according to the ACMG/AMP 2015 guidelines, based on the PM2, PP2, and BS2 criteria.

Labcorp Genetics (formerly Invitae), Labcorp
Classification: Uncertain significance for Osteogenesis imperfecta type I. Last evaluated: 2023-10-17. Review status: criteria provided, single submitter. Criteria: Invitae Variant Classification Sherloc (09022015). Collection method: clinical testing. Allele origin: germline.
Comment: This sequence change replaces proline, which is neutral and non-polar, with histidine, which is basic and polar, at codon 1182 of the COL1A1 protein (p.Pro1182His). This variant is not present in population databases (gnomAD no frequency). This variant has not been reported in the literature in individuals affected with COL1A1-related conditions. Advanced modeling of protein sequence and biophysical properties (such as structural, functional, and spatial information, amino acid conservation, physicochemical variation, residue mobility, and thermodynamic stability) has been performed at Invitae for this missense variant, however the output from this modeling did not meet the statistical confidence thresholds required to predict the impact of this variant on COL1A1 protein function. In summary, the available evidence is currently insufficient to determine the role of this variant in disease. Therefore, it has been classified as a Variant of Uncertain Significance.